The following is an entry in ClinVar:

NM_000215.4(JAK3):c.1214C>T (p.Pro405Leu)

Gene: JAK3 (Janus kinase 3; minus strand). Cytogenetic location: 19p13.11.
Variant type: single nucleotide variant.
Coding change: c.1214C>T on transcript NM_000215.4 (MANE Select); coding-DNA position 1214, C replaced by T.
Protein change: p.Pro405Leu; replaces proline 405 with leucine.
Molecular consequence: missense variant.
Genome position (GRCh38, 1-based): chr19:17,840,270, G>A on the plus strand (C>T on the coding strand, the complement: JAK3 is on the minus strand). VCF-style: chr19-17840270-G-A. GRCh37 (hg19) VCF-style: chr19-17951079-G-A.
Other names: short protein forms P405L.
Identifiers: ClinVar variation 956949 (VCV000956949.7), dbSNP rs1267642970, ClinGen allele CA404770603.
Genomic context (GRCh38, chr19:17,840,270, plus strand): 5'-CACCCTAGCAGTAGACCGACCTGGACACAGACAGTGAGGAGGAAGCTGTCAAAGTCCTGG[G>A]GGCTGCGGCGGAGAACATAGGAGCCAGGACGTGAGCCCCCAGTCTTGAGCTTGTTGATGG-3'
Protein context (NP_000206.2, residues 395-415): RPGSYVLRRS[Pro405Leu]QDFDSFLLTV

ClinVar aggregate classification (germline): Uncertain significance (1 of 4 stars; one submission).

Conditions:
T-B+ severe combined immunodeficiency due to JAK3 deficiency. Also called: SCID, T CELL-NEGATIVE, B CELL-POSITIVE, NK CELL-NEGATIVE; SCID, autosomal recessive, T-negative/B-positive type. Identifiers: Orphanet 35078, MedGen C1833275, MONDO:0010938, OMIM 600802.

Submission:

Labcorp Genetics (formerly Invitae), Labcorp
Classification: Uncertain significance for T-B+ severe combined immunodeficiency due to JAK3 deficiency. Last evaluated: 2021-09-02. Review status: criteria provided, single submitter. Criteria: Invitae Variant Classification Sherloc (09022015). Collection method: clinical testing. Allele origin: germline.
Comment: This sequence change replaces proline with leucine at codon 405 of the JAK3 protein (p.Pro405Leu). The proline residue is highly conserved and there is a moderate physicochemical difference between proline and leucine. This variant is not present in population databases (ExAC no frequency). This variant has not been reported in the literature in individuals affected with JAK3-related conditions. Algorithms developed to predict the effect of missense changes on protein structure and function are either unavailable or do not agree on the potential impact of this missense change (SIFT: "Deleterious"; PolyPhen-2: "Probably Damaging"; Align-GVGD: "Class C15"). In summary, the available evidence is currently insufficient to determine the role of this variant in disease. Therefore, it has been classified as a Variant of Uncertain Significance.